The following is an entry in ClinVar:

ClinVar aggregate classification (germline): Uncertain significance. Review status: criteria provided, multiple submitters, no conflicts (2 of 4 stars). 3 submissions from 3 submitters: Uncertain significance (3). Last evaluated 2023-12-18.

Conditions:
Malignant hyperthermia, susceptibility to, 1 (MHS1). Also called: Anesthesia related hyperthermia; Malignant hyperpyrexia; Fulminating hyperpyrexia; Pharmacogenic myopathy; RYR1-Related Malignant Hyperthermia Susceptibility; Malignant hyperthermia suceptibility 1. Identifiers: Orphanet 423, MedGen C2930980, MONDO:0007783, OMIM 145600.

Allele frequency attached by ClinVar (database versions not stated): TOPMed below 0.00001.
gnomAD v4.1: 6 of 1,612,614 alleles (0.00037%); highest among the groups gnomAD compares: Middle Eastern, 0.016%; no homozygotes.

Submissions (3):

All of Us Research Program, National Institutes of Health
Classification: Uncertain significance for Malignant hyperthermia, susceptibility to, 1. Last evaluated: 2023-12-18. Review status: criteria provided, single submitter. Criteria: ACMG Guidelines, 2015. Collection method: clinical testing. Allele origin: germline. Inheritance: Autosomal dominant inheritance. Observed: 1 variant allele, 1 heterozygote.
Comment: This missense variant replaces alanine with threonine at codon 2566 of the RYR1 protein. Computational prediction suggests that this variant may have deleterious impact on protein structure and function (internally defined REVEL score threshold >= 0.7, PMID: 27666373). To our knowledge, functional studies have not been reported for this variant. This variant has not been reported in individuals affected with RYR1-related disorders in the literature. This variant has not been identified in the general population by the Genome Aggregation Database (gnomAD). The available evidence is insufficient to determine the role of this variant in disease conclusively. Therefore, this variant is classified as a Variant of Uncertain Significance.

This study involves interpretation of variants in research participants for the purpose of population health screening. Participant phenotype was not available at the time of variant classification. Additional details can be found in publication PMID: 35346344, PMCID: PMC8962531

Color Diagnostics, LLC DBA Color Health
Classification: Uncertain significance for Malignant hyperthermia, susceptibility to, 1. Last evaluated: 2023-11-22. Review status: criteria provided, single submitter. Criteria: ACMG Guidelines, 2015. Collection method: clinical testing. Allele origin: germline.
Comment: This missense variant replaces alanine with threonine at codon 2566 of the RYR1 protein. Computational prediction suggests that this variant may have deleterious impact on protein structure and function. To our knowledge, functional studies have not been reported for this variant. This variant has not been reported in individuals affected with RYR1-related disorders in the literature. This variant has not been identified in the general population by the Genome Aggregation Database (gnomAD). The available evidence is insufficient to determine the role of this variant in disease conclusively. Therefore, this variant is classified as a Variant of Uncertain Significance.

CeGaT Center for Human Genetics Tuebingen
Classification: Uncertain significance. Last evaluated: 2023-01-01. Review status: criteria provided, single submitter. Criteria: CeGaT Center For Human Genetics Tuebingen Variant Classification Criteria Version 2. Collection method: clinical testing. Allele origin: germline. Affected: yes. Observed: 1 variant allele.
Comment: RYR1: PM2, PP3

NM_000540.3(RYR1):c.7696G>A (p.Ala2566Thr)

Gene: RYR1 (ryanodine receptor 1; plus strand). Cytogenetic location: 19q13.2.
Variant type: single nucleotide variant.
Coding change: c.7696G>A on transcript NM_000540.3 (MANE Select); coding-DNA position 7696, G replaced by A.
Protein change: p.Ala2566Thr; replaces alanine 2566 with threonine.
Molecular consequence: missense variant.
Genome position (GRCh38, 1-based): chr19:38,502,588, G>A. VCF-style: chr19-38502588-G-A. GRCh37 (hg19) VCF-style: chr19-38993228-G-A.
Other names: c.7696G>A, p.Ala2566Thr (NM_001042723.2); short protein forms A2566T.
Identifiers: ClinVar variation 2649803 (VCV002649803.26), dbSNP rs755925039, ClinGen allele CA405671664.